The following is an entry in ClinVar:

NM_001042492.3(NF1):c.3514G>A (p.Asp1172Asn)

Gene: NF1 (neurofibromin 1; plus strand). Cytogenetic location: 17q11.2.
Variant type: single nucleotide variant.
Coding change: c.3514G>A on transcript NM_001042492.3 (MANE Select); coding-DNA position 3514, G replaced by A.
Protein change: p.Asp1172Asn; replaces aspartic acid 1172 with asparagine.
Molecular consequence: missense variant.
Genome position (GRCh38, 1-based): chr17:31,233,019, G>A. VCF-style: chr17-31233019-G-A. GRCh37 (hg19) VCF-style: chr17-29560037-G-A.
Other names: c.3514G>A, p.Asp1172Asn (NM_000267.4); short protein forms D1172N.
Identifiers: ClinVar variation 3404725 (VCV003404725.1).
Genomic context (GRCh38, chr17:31,233,019, plus strand): 5'-GCAAGGCCATGTTAGTAAATTTGCATCTGTTTGTCCACATTAGGCTTAGGTTACCACAAG[G>A]ATCTCCAGACAAGAGCTACATTTATGGAAGTTCTGACAAAAATCCTTCAACAAGGCACAG-3'
Protein context (NP_001035957.1, residues 1162-1182): MHSIGLGYHK[Asp1172Asn]LQTRATFMEV

ClinVar aggregate classification (germline): Uncertain significance (1 of 4 stars; one submission).

Conditions:
Hereditary cancer-predisposing syndrome. Also called: Hereditary Cancer Syndrome; Tumor predisposition; Hereditary neoplastic syndrome; Neoplastic Syndromes, Hereditary. Identifiers: Orphanet 140162, MedGen C0027672, MeSH D009386, MONDO:0015356.
Cardiovascular phenotype. Identifiers: MedGen CN230736.

Submission:

Ambry Genetics
Classification: Uncertain significance for Cardiovascular phenotype; Hereditary cancer-predisposing syndrome. Last evaluated: 2024-08-27. Review status: criteria provided, single submitter. Criteria: Ambry Variant Classification Scheme 2023. Collection method: clinical testing. Allele origin: germline.
Comment: The p.D1172N variant (also known as c.3514G>A), located in coding exon 27 of the NF1 gene, results from a G to A substitution at nucleotide position 3514. The aspartic acid at codon 1172 is replaced by asparagine, an amino acid with highly similar properties. This amino acid position is conserved. In addition, this alteration is predicted to be tolerated by in silico analysis. Based on the available evidence, the clinical significance of this variant remains unclear.